The following is an entry in ClinVar:

NM_001372.4(DNAH9):c.10855T>C (p.Leu3619=)

Genes: DNAH9 (dynein axonemal heavy chain 9; plus strand), LOC101928350 (uncharacterized LOC101928350; minus strand). Cytogenetic location: 17p12.
Variant type: single nucleotide variant.
Coding change: c.10855T>C on transcript NM_001372.4 (MANE Select); coding-DNA position 10855, T replaced by C.
Protein change: p.Leu3619=; no amino-acid change (leucine 3619 retained).
Molecular consequence: synonymous variant. On other transcripts: 5 prime UTR variant (1).
Genome position (GRCh38, 1-based): chr17:11,883,634, T>C. VCF-style: chr17-11883634-T-C. GRCh37 (hg19) VCF-style: chr17-11786951-T-C.
Other names: p.Leu3619=; c.-210T>C (NM_004662.2).
Identifiers: ClinVar variation 402783 (VCV000402783.19), dbSNP rs8070256, ClinGen allele CA8397657.

ClinVar aggregate classification (germline): Benign. Review status: criteria provided, multiple submitters, no conflicts (2 of 4 stars). 7 submissions from 7 submitters: Benign (7). Last evaluated 2026-02-04.

Conditions:
Ciliary dyskinesia, primary, 40. Also called: CILIARY DYSKINESIA, PRIMARY, 40, WITH OR WITHOUT SITUS INVERSUS. Identifiers: MedGen C4749028, MONDO:0032664, OMIM 618300.

Allele frequency attached by ClinVar (database versions not stated): 1000 Genomes Project 30x 0.37836; TOPMed 0.37933; 1000 Genomes Project 0.38598; gnomAD 0.38845 and 0.39636; ESP Exome Variant Server 0.40604; gnomAD exomes 0.44834 and 0.48032; ExAC 0.45283.
gnomAD v4.1: 762,310 of 1,613,760 alleles (47%); highest among the groups gnomAD compares: Middle Eastern, 55%; 185,136 homozygotes.

Submissions (7):

Labcorp Genetics (formerly Invitae), Labcorp
Classification: Benign. Last evaluated: 2026-02-04. Review status: criteria provided, single submitter. Criteria: Invitae Variant Classification Sherloc (09022015). Collection method: clinical testing. Allele origin: germline.

Blueprint Genetics
Classification: Benign. Last evaluated: 2024-11-28. Review status: criteria provided, single submitter. Criteria: ACMG Guidelines, 2015. Collection method: clinical testing. Allele origin: germline.

Mayo Clinic Laboratories, Mayo Clinic
Classification: Benign. Last evaluated: 2022-04-26. Review status: criteria provided, single submitter. Criteria: ACMG Guidelines, 2015. Collection method: clinical testing. Allele origin: germline. Observed: 139 variant alleles.

Genome-Nilou Lab
Classification: Benign for Ciliary dyskinesia, primary, 40. Last evaluated: 2021-07-30. Review status: criteria provided, single submitter. Criteria: ACMG Guidelines, 2015. Collection method: clinical testing. Allele origin: germline. Affected: no.

GeneDx
Classification: Benign. Last evaluated: 2021-05-04. Review status: criteria provided, single submitter. Criteria: GeneDx Variant Classification Process June 2021. Collection method: clinical testing. Allele origin: germline. Affected: yes.

Laboratory for Molecular Medicine, Mass General Brigham Personalized Medicine
Classification: Benign. Last evaluated: 2016-03-28. Review status: criteria provided, single submitter. Criteria: LMM Criteria. Collection method: clinical testing. Allele origin: germline.
Comment: Variant identified in a genome or exome case(s) and assessed due to predicted null impact of the variant or pathogenic assertions in the literature or databases. Disclaimer: This variant has not undergone full assessment. The following are preliminary notes: Frequency

Breakthrough Genomics
Classification: Benign. Review status: criteria provided, single submitter. Criteria: ACMG Guidelines, 2015. Collection method: not provided. Allele origin: germline. Inheritance: Autosomal recessive inheritance. Affected: yes.